The following is an entry in ClinVar:

NM_001113378.2(FANCI):c.1489C>A (p.Gln497Lys)

Gene: FANCI (FA complementation group I; plus strand). Cytogenetic location: 15q26.1.
Variant type: single nucleotide variant.
Coding change: c.1489C>A on transcript NM_001113378.2 (MANE Select); coding-DNA position 1489, C replaced by A.
Protein change: p.Gln497Lys; replaces glutamine 497 with lysine.
Molecular consequence: missense variant.
Genome position (GRCh38, 1-based): chr15:89,281,277, C>A. VCF-style: chr15-89281277-C-A. GRCh37 (hg19) VCF-style: chr15-89824508-C-A.
Other names: c.1210C>A, p.Gln404Lys (NM_001376910.1); c.1489C>A, p.Gln497Lys (NM_001376911.1, NM_018193.3); short protein forms Q497K, Q404K.
Identifiers: ClinVar variation 934813 (VCV000934813.5), dbSNP rs1049036307, ClinGen allele CA393743886.

ClinVar aggregate classification (germline): Uncertain significance (1 of 4 stars; one submission).

Conditions:
Fanconi anemia (FA). Also called: Fanconi's anemia. Identifiers: Orphanet 84, MedGen C0015625, MeSH D005199, MONDO:0019391.

Submission:

Labcorp Genetics (formerly Invitae), Labcorp
Classification: Uncertain significance for Fanconi anemia. Last evaluated: 2022-05-25. Review status: criteria provided, single submitter. Criteria: Invitae Variant Classification Sherloc (09022015). Collection method: clinical testing. Allele origin: germline.
Comment: ClinVar contains an entry for this variant (Variation ID: 934813). In summary, the available evidence is currently insufficient to determine the role of this variant in disease. Therefore, it has been classified as a Variant of Uncertain Significance. Algorithms developed to predict the effect of missense changes on protein structure and function (SIFT, PolyPhen-2, Align-GVGD) all suggest that this variant is likely to be tolerated. This variant has not been reported in the literature in individuals affected with FANCI-related conditions. This variant is not present in population databases (gnomAD no frequency). This sequence change replaces glutamine, which is neutral and polar, with lysine, which is basic and polar, at codon 497 of the FANCI protein (p.Gln497Lys).